The following is an entry in ClinVar:

NM_024753.5(TTC21B):c.1745C>T (p.Ala582Val)

Gene: TTC21B (tetratricopeptide repeat domain 21B; minus strand). Cytogenetic location: 2q24.3.
Variant type: single nucleotide variant.
Coding change: c.1745C>T on transcript NM_024753.5 (MANE Select); coding-DNA position 1745, C replaced by T.
Protein change: p.Ala582Val; replaces alanine 582 with valine.
Molecular consequence: missense variant.
Genome position (GRCh38, 1-based): chr2:165,917,411, G>A on the plus strand (C>T on the coding strand, the complement: TTC21B is on the minus strand). VCF-style: chr2-165917411-G-A. GRCh37 (hg19) VCF-style: chr2-166773921-G-A.
Other names: short protein forms A582V.
Identifiers: ClinVar variation 4999647 (VCV004999647.1).

ClinVar aggregate classification (germline): Uncertain significance (1 of 4 stars; one submission).

Conditions:
TTC21B-related disorder. Also called: TTC21B-related condition; TTC21B-related disorders.

gnomAD v4.1: 1 of 1,613,860 alleles (0.000062%); highest among the groups gnomAD compares: Admixed American, 0.0017%; no homozygotes.

Submission:

PreventionGenetics, part of Exact Sciences
Classification: Uncertain significance for TTC21B-related condition. Last evaluated: 2026-03-23. Review status: criteria provided, single submitter. Criteria: ACMG Guidelines, 2015. Collection method: clinical testing. Allele origin: germline.
Comment: The TTC21B c.1745C>T variant is predicted to result in the amino acid substitution p.Ala582Val. To our knowledge, this variant has not been reported in the literature or in a large population database (gnomAD), indicating this variant is rare. At this time, the clinical significance of this variant is uncertain due to the absence of conclusive functional and genetic evidence.